The following is an entry in ClinVar:

ClinVar aggregate classification (germline): Likely benign. Review status: criteria provided, multiple submitters, no conflicts (2 of 4 stars). 2 submissions from 2 submitters: Likely benign (2). Last evaluated 2025-12-01.

Allele frequency attached by ClinVar (database versions not stated): gnomAD exomes 0.00006 and 0.00001; TOPMed 0.00009; ExAC 0.00002; gnomAD 0.00002.
gnomAD v4.1: 21 of 1,613,004 alleles (0.0013%); highest among the groups gnomAD compares: Admixed American, 0.025%; no homozygotes.

Submissions (2):

CeGaT Center for Human Genetics Tuebingen
Classification: Likely benign. Last evaluated: 2025-12-01. Review status: criteria provided, single submitter. Criteria: CeGaT Center For Human Genetics Tuebingen Variant Classification Criteria Version 2. Collection method: clinical testing. Allele origin: germline. Affected: yes. Observed: 1 variant allele.
Comment: BRF1: BP4, BP7

Labcorp Genetics (formerly Invitae), Labcorp
Classification: Likely benign. Last evaluated: 2019-12-31. Review status: criteria provided, single submitter. Criteria: Invitae Variant Classification Sherloc (09022015). Collection method: clinical testing. Allele origin: germline.

NM_001519.4(BRF1):c.414G>T (p.Leu138=)

Gene: BRF1 (BRF1 general transcription factor IIIB subunit; minus strand). Cytogenetic location: 14q32.33.
Variant type: single nucleotide variant.
Coding change: c.414G>T on transcript NM_001519.4 (MANE Select); coding-DNA position 414, G replaced by T.
Protein change: p.Leu138=; no amino-acid change (leucine 138 retained).
Molecular consequence: synonymous variant.
Genome position (GRCh38, 1-based): chr14:105,272,746, C>A on the plus strand (G>T on the coding strand, the complement: BRF1 is on the minus strand). VCF-style: chr14-105272746-C-A. GRCh37 (hg19) VCF-style: chr14-105739083-C-A.
Other names: c.69G>T, p.Leu23= (NM_001242786.2, NM_001242787.2); c.333G>T, p.Leu111= (NM_001242788.2); c.414G>T, p.Leu138= (NM_001242790.2).
Identifiers: ClinVar variation 752741 (VCV000752741.9), dbSNP rs757382405, ClinGen allele CA7388146.